The following is an entry in ClinVar:

NM_001367916.1(MAGT1):c.722G>A (p.Gly241Glu)

Gene: MAGT1 (magnesium transporter 1; minus strand). Cytogenetic location: Xq21.1.
Variant type: single nucleotide variant.
Coding change: c.722G>A on transcript NM_001367916.1 (MANE Select); coding-DNA position 722, G replaced by A.
Protein change: p.Gly241Glu; replaces glycine 241 with glutamic acid.
Molecular consequence: missense variant.
Genome position (GRCh38, 1-based): chrX:77,855,541, C>T on the plus strand (G>A on the coding strand, the complement: MAGT1 is on the minus strand). VCF-style: chrX-77855541-C-T. GRCh37 (hg19) VCF-style: chrX-77111038-C-T.
Other names: c.818G>A, p.Gly273Glu (NM_032121.5); short protein forms G241E, G273E.
Identifiers: ClinVar variation 4882328 (VCV004882328.2).

ClinVar aggregate classification (germline): Uncertain significance (1 of 4 stars; one submission).

Submission:

Dasa
Classification: Uncertain significance. Last evaluated: 2024-10-08. Review status: criteria provided, single submitter. Criteria: DASA Assertion Criteria. Collection method: clinical testing. Allele origin: germline.
Comment: NM_001367916.1(MAGT1):c.722G>A (p.Gly241Glu) is a missense variant that results in the substitution of glycine with glutamic acid. This variant is rare in population databases. Computational prediction algorithms are consistent with a deleterious effect. The currently available literature and clinical evidence are not sufficient to establish a definitive association between this variant and the reported condition. Therefore, this variant is classified as a variant of uncertain significance.